The following is an entry in ClinVar:

ClinVar aggregate classification (germline): Pathogenic (1 of 4 stars; one submission).

Conditions:
Primary ciliary dyskinesia 3. Identifiers: Orphanet 244, MedGen C1837618, MONDO:0012085, OMIM 608644.

Submission:

Myriad Genetics, Inc.
Classification: Pathogenic for Primary ciliary dyskinesia 3. Last evaluated: 2024-06-03. Review status: criteria provided, single submitter. Criteria: Myriad Autosomal Dominant, Autosomal Recessive and X-Linked Classification Criteria (2023). Collection method: clinical testing. Allele origin: unknown.
Comment: NM_001369.2(DNAH5):c.7593C>G(Y2531*) is expected to be pathogenic in the context of primary ciliary dyskinesia, DNAH5-related. This variant is predicted to lead to an abnormal or absent protein product due to the creation of a premature termination codon in DNAH5, a gene where loss-of-function variants are known to be pathogenic. Please note: this variant was assessed in the context of healthy population screening.

NM_001369.3(DNAH5):c.7593C>G (p.Tyr2531Ter)

Gene: DNAH5 (dynein axonemal heavy chain 5; minus strand). Cytogenetic location: 5p15.2.
Variant type: single nucleotide variant.
Coding change: c.7593C>G on transcript NM_001369.3 (MANE Select); coding-DNA position 7593, C replaced by G.
Protein change: p.Tyr2531Ter; replaces tyrosine 2531 with a stop codon.
Molecular consequence: nonsense.
Genome position (GRCh38, 1-based): chr5:13,810,075, G>C on the plus strand (C>G on the coding strand, the complement: DNAH5 is on the minus strand). VCF-style: chr5-13810075-G-C. GRCh37 (hg19) VCF-style: chr5-13810184-G-C.
Other names: short protein forms Y2531*.
Identifiers: ClinVar variation 5013141 (VCV005013141.1).
Genomic context (GRCh38, chr5:13,810,075, plus strand): 5'-GAACGGCCCCCATGGGTTCCGTCTGGACGGGCAGGTGTCCTCACCATCGGGCGCCACATA[G>C]TAGTCGAAGGCGGTGTCCCCGGGCCCCGCTGGCGGCGGCAGCTCCAGCGTCCCTGTGGGC-3'